The following is an entry in ClinVar:

NM_004329.3(BMPR1A):c.1049A>G (p.Tyr350Cys)

Gene: BMPR1A (bone morphogenetic protein receptor type 1A; plus strand). Cytogenetic location: 10q23.2.
Variant type: single nucleotide variant.
Coding change: c.1049A>G on transcript NM_004329.3 (MANE Select); coding-DNA position 1049, A replaced by G.
Protein change: p.Tyr350Cys; replaces tyrosine 350 with cysteine.
Molecular consequence: missense variant.
Genome position (GRCh38, 1-based): chr10:86,919,352, A>G. VCF-style: chr10-86919352-A-G. GRCh37 (hg19) VCF-style: chr10-88679109-A-G.
Other names: short protein forms Y350C.
Identifiers: ClinVar variation 822048 (VCV000822048.9), dbSNP rs1589291722, ClinGen allele CA377460698.

ClinVar aggregate classification (germline): Uncertain significance. Review status: criteria provided, multiple submitters, no conflicts (2 of 4 stars). 3 submissions from 3 submitters: Uncertain significance (3). Last evaluated 2025-05-12.

Conditions:
Hereditary cancer-predisposing syndrome. Also called: Hereditary Cancer Syndrome; Neoplastic Syndromes, Hereditary; Hereditary neoplastic syndrome; Tumor predisposition. Identifiers: Orphanet 140162, MedGen C0027672, MeSH D009386, MONDO:0015356.
Juvenile polyposis syndrome (JPS). Identifiers: Orphanet 2929, MedGen C0345893, MONDO:0017380, OMIM 174900.

gnomAD v4.1: 1 of 1,613,424 alleles (0.000062%); highest among the groups gnomAD compares: Non-Finnish European, 0.000085%; no homozygotes.

Submissions (3):

Color Diagnostics, LLC DBA Color Health
Classification: Uncertain significance for Hereditary cancer-predisposing syndrome. Last evaluated: 2025-05-12. Review status: criteria provided, single submitter. Criteria: ACMG Guidelines, 2015. Collection method: clinical testing. Allele origin: germline.
Comment: This missense variant replaces tyrosine with cysteine at codon 350 of the BMPR1A protein. Computational prediction is inconclusive regarding the impact of this variant on protein structure and function. To our knowledge, functional studies have not been reported for this variant. This variant has not been reported in individuals affected with BMPR1A-related disorders in the literature. This variant has not been identified in the general population by the Genome Aggregation Database (gnomAD). The available evidence is insufficient to determine the role of this variant in disease conclusively. Therefore, this variant is classified as a Variant of Uncertain Significance.

Ambry Genetics
Classification: Uncertain significance for Hereditary cancer-predisposing syndrome. Last evaluated: 2024-05-02. Review status: criteria provided, single submitter. Criteria: Ambry Variant Classification Scheme 2023. Collection method: clinical testing. Allele origin: germline.
Comment: The p.Y350C variant (also known as c.1049A>G), located in coding exon 8 of the BMPR1A gene, results from an A to G substitution at nucleotide position 1049. The tyrosine at codon 350 is replaced by cysteine, an amino acid with highly dissimilar properties. This amino acid position is highly conserved in available vertebrate species. In addition, this alteration is predicted to be deleterious by in silico analysis. Based on the available evidence, the clinical significance of this variant remains unclear.

Labcorp Genetics (formerly Invitae), Labcorp
Classification: Uncertain significance for Juvenile polyposis syndrome. Last evaluated: 2024-01-28. Review status: criteria provided, single submitter. Criteria: Invitae Variant Classification Sherloc (09022015). Collection method: clinical testing. Allele origin: germline.
Comment: This sequence change replaces tyrosine, which is neutral and polar, with cysteine, which is neutral and slightly polar, at codon 350 of the BMPR1A protein (p.Tyr350Cys). This variant is not present in population databases (gnomAD no frequency). This variant has not been reported in the literature in individuals affected with BMPR1A-related conditions. ClinVar contains an entry for this variant (Variation ID: 822048). Advanced modeling of protein sequence and biophysical properties (such as structural, functional, and spatial information, amino acid conservation, physicochemical variation, residue mobility, and thermodynamic stability) has been performed at Invitae for this missense variant, however the output from this modeling did not meet the statistical confidence thresholds required to predict the impact of this variant on BMPR1A protein function. In summary, the available evidence is currently insufficient to determine the role of this variant in disease. Therefore, it has been classified as a Variant of Uncertain Significance.